The following is an entry in ClinVar:

NM_001244926.2(PRPF4):c.160G>A (p.Gly54Arg)

Gene: PRPF4 (pre-mRNA splicing tri-snRNP complex factor PRPF4; plus strand). Cytogenetic location: 9q32.
Variant type: single nucleotide variant.
Coding change: c.160G>A on transcript NM_001244926.2 (MANE Select); coding-DNA position 160, G replaced by A.
Protein change: p.Gly54Arg; replaces glycine 54 with arginine.
Molecular consequence: missense variant. On other transcripts: 5 prime UTR variant (2), non-coding transcript variant (2).
Genome position (GRCh38, 1-based): chr9:113,276,680, G>A. VCF-style: chr9-113276680-G-A. GRCh37 (hg19) VCF-style: chr9-116038960-G-A.
Other names: c.-606G>A (NM_001322266.2, NM_001322267.2); c.163G>A, p.Gly55Arg (NM_004697.5); short protein forms G55R, G54R.
Identifiers: ClinVar variation 938112 (VCV000938112.9), dbSNP rs1832108619, ClinGen allele CA374551678.

ClinVar aggregate classification (germline): Uncertain significance (1 of 4 stars; one submission).

Allele frequency attached by ClinVar (database versions not stated): gnomAD exomes below 0.00001.
gnomAD v4.1: 4 of 1,613,980 alleles (0.00025%); highest among the groups gnomAD compares: South Asian, 0.0011%; no homozygotes.

Submission:

Labcorp Genetics (formerly Invitae), Labcorp
Classification: Uncertain significance. Last evaluated: 2024-02-24. Review status: criteria provided, single submitter. Criteria: Invitae Variant Classification Sherloc (09022015). Collection method: clinical testing. Allele origin: germline.
Comment: This sequence change replaces glycine, which is neutral and non-polar, with arginine, which is basic and polar, at codon 55 of the PRPF4 protein (p.Gly55Arg). This variant is not present in population databases (gnomAD no frequency). This variant has not been reported in the literature in individuals affected with PRPF4-related conditions. ClinVar contains an entry for this variant (Variation ID: 938112). An algorithm developed to predict the effect of missense changes on protein structure and function (PolyPhen-2) suggests that this variant is likely to be tolerated. In summary, the available evidence is currently insufficient to determine the role of this variant in disease. Therefore, it has been classified as a Variant of Uncertain Significance.